The following is an entry in ClinVar:

ClinVar aggregate classification (germline): Uncertain significance (1 of 4 stars; one submission).

Conditions:
Familial adenomatous polyposis 1 (FAP1). Also called: FAMILIAL ADENOMATOUS POLYPOSIS 1, ATTENUATED; POLYPOSIS, ADENOMATOUS INTESTINAL. Identifiers: MedGen C2713442, MONDO:0021056, OMIM 175100. Disease mechanism: loss of function.

Allele frequency attached by ClinVar (database versions not stated): gnomAD exomes below 0.00001.
gnomAD v4.1: 2 of 1,614,170 alleles (0.00012%); highest among the groups gnomAD compares: Non-Finnish European, 0.00017%; no homozygotes.

Submission:

Labcorp Genetics (formerly Invitae), Labcorp
Classification: Uncertain significance for Familial adenomatous polyposis 1. Last evaluated: 2023-11-17. Review status: criteria provided, single submitter. Criteria: Invitae Variant Classification Sherloc (09022015). Collection method: clinical testing. Allele origin: germline.
Comment: This sequence change replaces serine, which is neutral and polar, with arginine, which is basic and polar, at codon 843 of the APC protein (p.Ser843Arg). This variant is not present in population databases (gnomAD no frequency). This variant has not been reported in the literature in individuals affected with APC-related conditions. Advanced modeling of protein sequence and biophysical properties (such as structural, functional, and spatial information, amino acid conservation, physicochemical variation, residue mobility, and thermodynamic stability) performed at Invitae indicates that this missense variant is not expected to disrupt APC protein function with a negative predictive value of 95%. In summary, the available evidence is currently insufficient to determine the role of this variant in disease. Therefore, it has been classified as a Variant of Uncertain Significance.

NM_000038.6(APC):c.2529T>A (p.Ser843Arg)

Gene: APC (APC regulator of Wnt signaling pathway; plus strand). Cytogenetic location: 5q22.2.
Variant type: single nucleotide variant.
Coding change: c.2529T>A on transcript NM_000038.6 (MANE Select); coding-DNA position 2529, T replaced by A.
Protein change: p.Ser843Arg; replaces serine 843 with arginine.
Molecular consequence: missense variant. On other transcripts: non-coding transcript variant (2).
Genome position (GRCh38, 1-based): chr5:112,838,123, T>A. VCF-style: chr5-112838123-T-A. GRCh37 (hg19) VCF-style: chr5-112173820-T-A.
Other names: c.2529T>A, p.Ser843Arg (NM_001127510.3, NM_001354895.2, NM_001407450.1); c.2475T>A, p.Ser825Arg (NM_001127511.3); c.2583T>A, p.Ser861Arg (NM_001354896.2, NM_001407447.1, NM_001407448.1 and 1 more transcripts); c.2559T>A, p.Ser853Arg (NM_001354897.2); c.2454T>A, p.Ser818Arg (NM_001354898.2); c.2445T>A, p.Ser815Arg (NM_001354899.2); c.2406T>A, p.Ser802Arg (NM_001354900.2); c.2352T>A, p.Ser784Arg (NM_001354901.2, NM_001407453.1); and 11 more; short protein forms S459R, S560R, S683R, S752R, S815R, S818R, S843R, S861R.
Identifiers: ClinVar variation 2914909 (VCV002914909.3), dbSNP rs2149871758, ClinGen allele CA16026873.